The following is an entry in ClinVar:

NM_001104.4(ACTN3):c.2176-5G>A

Gene: ACTN3 (actinin alpha 3; plus strand). Cytogenetic location: 11q13.2.
Variant type: single nucleotide variant.
Coding change: c.2176-5G>A on transcript NM_001104.4 (MANE Select); 5 bases into the intron before coding-DNA position 2176, G replaced by A.
Molecular consequence: intron variant.
Genome position (GRCh38, 1-based): chr11:66,562,017, G>A. VCF-style: chr11-66562017-G-A. GRCh37 (hg19) VCF-style: chr11-66329488-G-A.
Other names: c.2305-5G>A (NM_001258371.3).
Identifiers: ClinVar variation 2641994 (VCV002641994.24), dbSNP rs374908695, ClinGen allele CA6124986.
Genomic context (GRCh38, chr11:66,562,017, plus strand): 5'-TGGAGCTAGAGCCAGTGGCCAGGCACTGGCCGCCCACTGACAGTGGCCTGTCCCCTGACC[G>A]CCAGCACATCCGCGTGGGCTGGGAGCAGCTGCTCACCTCCATTGCCCGCACCATCAATGA-3'

ClinVar aggregate classification (germline): Likely benign (1 of 4 stars; one submission).

Allele frequency attached by ClinVar (database versions not stated): 1000 Genomes Project 30x 0.00016; ESP Exome Variant Server 0.00023.
gnomAD v4.1: 256 of 1,602,542 alleles (0.016%); highest among the groups gnomAD compares: Middle Eastern, 0.05%; no homozygotes.

Submission:

CeGaT Center for Human Genetics Tuebingen
Classification: Likely benign. Last evaluated: 2022-06-01. Review status: criteria provided, single submitter. Criteria: CeGaT Center For Human Genetics Tuebingen Variant Classification Criteria Version 2. Collection method: clinical testing. Allele origin: germline. Affected: yes. Observed: 1 variant allele.
Comment: ACTN3: BP4